The following is an entry in ClinVar:

ClinVar aggregate classification (germline): Uncertain significance (1 of 4 stars; one submission).

Conditions:
KCNB2-associated neurodevelopmental disorder.

Submission:

Institute of Human Genetics, University of Leipzig Medical Center
Classification: Uncertain significance for KCNB2-associated neurodevelopmental disorder. Last evaluated: 2025-03-24. Review status: criteria provided, single submitter. Criteria: ACMG Guidelines, 2015. Collection method: clinical testing. Allele origin: unknown. Inheritance: Autosomal dominant inheritance. Affected: yes.
Comment: Criteria applied: PM2,PP2,PP3

Literature cited by the submitters: PubMed 38503299.

NM_004770.3(KCNB2):c.863A>G (p.Lys288Arg)

Gene: KCNB2 (potassium voltage-gated channel subfamily B member 2; plus strand). Cytogenetic location: 8q21.11.
Variant type: single nucleotide variant.
Coding change: c.863A>G on transcript NM_004770.3 (MANE Select); coding-DNA position 863, A replaced by G.
Protein change: p.Lys288Arg; replaces lysine 288 with arginine.
Molecular consequence: missense variant.
Genome position (GRCh38, 1-based): chr8:72,936,218, A>G. VCF-style: chr8-72936218-A-G. GRCh37 (hg19) VCF-style: chr8-73848453-A-G.
Other names: short protein forms K288R.
Identifiers: ClinVar variation 3778743 (VCV003778743.1).